The following is an entry in ClinVar:

NM_015474.4(SAMHD1):c.290G>A (p.Arg97Lys)

Gene: SAMHD1 (SAM and HD domain containing deoxynucleoside triphosphate triphosphohydrolase 1; minus strand). Cytogenetic location: 20q11.23.
Variant type: single nucleotide variant.
Coding change: c.290G>A on transcript NM_015474.4 (MANE Select); coding-DNA position 290, G replaced by A.
Protein change: p.Arg97Lys; replaces arginine 97 with lysine.
Molecular consequence: missense variant.
Genome position (GRCh38, 1-based): chr20:36,941,097, C>T on the plus strand (G>A on the coding strand, the complement: SAMHD1 is on the minus strand). VCF-style: chr20-36941097-C-T. GRCh37 (hg19) VCF-style: chr20-35569500-C-T.
Other names: c.290G>A, p.Arg97Lys (NM_001363729.2, NM_001363733.2); short protein forms R97K.
Identifiers: ClinVar variation 949004 (VCV000949004.7), dbSNP rs758586131, ClinGen allele CA9844770.
Genomic context (GRCh38, chr20:36,941,097, plus strand): 5'-ACCTTCATTGTATCAACGTGGATTTGAACCAATCGCTGGATATAACTAAGCAGCTTCTTC[C>T]TCTCCCCCAAGGAACTAAAATTACAATAGGATAAGCAAGTCTATCATTATTTGCTTAATA-3'
Protein context (NP_056289.2, residues 87-107): ENLGVSSLGE[Arg97Lys]KKLLSYIQRL

ClinVar aggregate classification (germline): Uncertain significance. Review status: criteria provided, single submitter (1 of 4 stars). 2 submissions from 2 submitters: Uncertain significance (1). 1 of the submissions does not count toward it. Last evaluated 2021-08-31.

Conditions:
Aicardi-Goutieres syndrome 5. Identifiers: Orphanet 51, MedGen C2749659, MONDO:0013059, OMIM 612952.
Aicardi Goutieres syndrome (AGS). Also called: Encephalopathy, familial infantile, with calcification of basal ganglia and chronic cerebrospinal fluid lymphocytosis. Identifiers: Orphanet 51, MedGen C0393591, MONDO:0018866.

Allele frequency attached by ClinVar (database versions not stated): gnomAD 0.00001; TOPMed 0.00001; ExAC 0.00002.
gnomAD v4.1: 25 of 1,612,524 alleles (0.0016%); highest among the groups gnomAD compares: Non-Finnish European, 0.0019%; no homozygotes.

Submissions (2):

Labcorp Genetics (formerly Invitae), Labcorp
Classification: Uncertain significance for Aicardi-Goutieres syndrome 5. Last evaluated: 2021-08-31. Review status: criteria provided, single submitter. Criteria: Invitae Variant Classification Sherloc (09022015). Collection method: clinical testing. Allele origin: germline.
Comment: This sequence change replaces arginine with lysine at codon 97 of the SAMHD1 protein (p.Arg97Lys). The arginine residue is moderately conserved and there is a small physicochemical difference between arginine and lysine. This variant is present in population databases (rs758586131, ExAC 0.003%). This variant has not been reported in the literature in individuals affected with SAMHD1-related conditions. Algorithms developed to predict the effect of missense changes on protein structure and function are either unavailable or do not agree on the potential impact of this missense change (SIFT: "Deleterious"; PolyPhen-2: "Benign"; Align-GVGD: "Class C0"). In summary, the available evidence is currently insufficient to determine the role of this variant in disease. Therefore, it has been classified as a Variant of Uncertain Significance.

Natera, Inc.
Classification: Uncertain significance for Aicardi-Goutieres syndrome. Last evaluated: 2020-06-09. Review status: no assertion criteria provided. Collection method: clinical testing. Allele origin: germline. Not counted in ClinVar's aggregate classification.